The following is an entry in ClinVar:

NM_004646.4(NPHS1):c.527-1G>A

Gene: NPHS1 (NPHS1 adhesion molecule, nephrin; minus strand). Cytogenetic location: 19q13.12.
Variant type: single nucleotide variant.
Coding change: c.527-1G>A on transcript NM_004646.4 (MANE Select); the canonical splice acceptor site of the intron before coding-DNA position 527, G replaced by A.
Molecular consequence: splice acceptor variant.
Genome position (GRCh38, 1-based): chr19:35,850,446, C>T on the plus strand (G>A on the coding strand, the complement: NPHS1 is on the minus strand). VCF-style: chr19-35850446-C-T. GRCh37 (hg19) VCF-style: chr19-36341348-C-T.
Other names: c.527-1G>A (NM_004646.3).
Identifiers: ClinVar variation 1066214 (VCV001066214.12), dbSNP rs771143648, ClinGen allele CA9390768.

ClinVar aggregate classification (germline): Likely pathogenic. Review status: criteria provided, multiple submitters, no conflicts (2 of 4 stars). 4 submissions from 4 submitters: Likely pathogenic (4). Last evaluated 2025-07-20.

Conditions:
NPHS1-related disorder. Also called: NPHS1-related condition.
Finnish congenital nephrotic syndrome (NPHS1). Also called: NEPHROTIC SYNDROME, TYPE 1. Identifiers: Orphanet 839, MedGen C0403399, MONDO:0009732, OMIM 256300.

Allele frequency attached by ClinVar (database versions not stated): gnomAD exomes below 0.00001; ExAC 0.00001; gnomAD 0.00001.
gnomAD v4.1: 3 of 1,613,822 alleles (0.00019%); highest among the groups gnomAD compares: Non-Finnish European, 0.00025%; no homozygotes.

Submissions (4):

Natera, Inc.
Classification: Likely pathogenic for Finnish congenital nephrotic syndrome. Last evaluated: 2025-07-20. Review status: criteria provided, single submitter. Criteria: Natera Variant Classification Schema (03/2026). Collection method: clinical testing. Allele origin: germline.
Comment: The c.527-1G>A variant in NPHS1 is a canonical splice acceptor site variant predicted to affect pre-mRNA splicing, which may result in an abnormal transcript and altered protein product. This variant is expected to result in nonsense mediated decay, truncation, or a dysfunctional protein product. This variant is rare in the general population with a frequency below the threshold expected for the associated phenotype(s). Given the available evidence, this variant is classified as Likely Pathogenic.

Labcorp Genetics (formerly Invitae), Labcorp
Classification: Likely pathogenic. Last evaluated: 2023-10-19. Review status: criteria provided, single submitter. Criteria: Invitae Variant Classification Sherloc (09022015). Collection method: clinical testing. Allele origin: germline.
Comment: This sequence change affects an acceptor splice site in intron 4 of the NPHS1 gene. It is expected to disrupt RNA splicing. Variants that disrupt the donor or acceptor splice site typically lead to a loss of protein function (PMID: 16199547), and loss-of-function variants in NPHS1 are known to be pathogenic (PMID: 11317351, 11854170, 12039988). This variant is present in population databases (rs771143648, gnomAD 0.007%). This variant has not been reported in the literature in individuals affected with NPHS1-related conditions. ClinVar contains an entry for this variant (Variation ID: 1066214). In summary, the currently available evidence indicates that the variant is pathogenic, but additional data are needed to prove that conclusively. Therefore, this variant has been classified as Likely Pathogenic.

Vasylyeva lab, Texas Tech University Health Sciences Center
Classification: Likely pathogenic for Finnish congenital nephrotic syndrome. Last evaluated: 2021-07-12. Review status: criteria provided, single submitter. Criteria: ACMG Guidelines, 2015. Collection method: clinical testing. Allele origin: unknown. Affected: yes.

Blueprint Genetics
Classification: Likely pathogenic for NPHS1-related disorders. Last evaluated: 2020-04-07. Review status: criteria provided, single submitter. Criteria: ACMG Guidelines, 2015. Collection method: clinical testing. Allele origin: germline. Affected: yes. Observed: 2 variant alleles.

Literature cited by the submitters: PubMed 16199547 (cited by Labcorp Genetics (formerly Invitae), Labcorp); PubMed 11317351 (cited by Labcorp Genetics (formerly Invitae), Labcorp and Vasylyeva lab, Texas Tech University Health Sciences Center); PubMed 11854170 (cited by Labcorp Genetics (formerly Invitae), Labcorp and Vasylyeva lab, Texas Tech University Health Sciences Center); PubMed 12039988 (cited by Labcorp Genetics (formerly Invitae), Labcorp).